The following is an entry in ClinVar:

NM_000439.5(PCSK1):c.1056_1071del (p.Thr353fs)

Genes: CAST (calpastatin; plus strand), PCSK1 (proprotein convertase subtilisin/kexin type 1; minus strand), LOC101929710 (uncharacterized LOC101929710; plus strand). Cytogenetic location: 5q15.
Variant type: Deletion.
Coding change: c.1056_1071del on transcript NM_000439.5 (MANE Select); coding-DNA positions 1056 to 1071, 16 bases deleted (CACCTCTTACAGCAGC).
Protein change: p.Thr353fs; shifts the reading frame from threonine 353.
Molecular consequence: frameshift variant. On other transcripts: intron variant (11).
Genome position (GRCh38, 1-based): chr5:96,410,798-96,410,813, GCTGCTGTAAGAGGTG deleted on the plus strand (CACCTCTTACAGCAGC on the coding strand, the reverse complement: PCSK1 is on the minus strand); deleting any 16 consecutive bases within chr5:96,410,798-96,410,815 gives the same sequence; the c. name uses the placement nearest the transcript's 3' end. VCF-style (leftmost placement, unchanged base first): chr5-96410797-CGCTGCTGTAAGAGGTG-C. GRCh37 (hg19) VCF-style: chr5-95746501-CGCTGCTGTAAGAGGTG-C.
Other names: c.-175+31148_-175+31163del (NM_001423250.1, NM_001423251.1, NM_001423256.1 and 6 more transcripts); c.-40+31148_-40+31163del (NM_001423258.1); c.915_930del, p.Thr306fs (NM_001177875.2); c.-103+31148_-103+31163del (NM_001423253.1); short protein forms T306fs, T353fs.
Identifiers: ClinVar variation 4683072 (VCV004683072.1).

ClinVar aggregate classification (germline): Pathogenic (1 of 4 stars; one submission).

Conditions:
Early onset severe obesity. Identifiers: MedGen C4013980.

Submission:

Cambridge Genomics Laboratory, East Genomic Laboratory Hub, NHS Genomic Medicine Service
Classification: Pathogenic for Severe early-onset obesity. Last evaluated: 2025-02-18. Review status: criteria provided, single submitter. Criteria: ACGS Best Practice Guidelines for Variant Classification in Rare Disease 2020. Collection method: clinical testing. Allele origin: germline. Affected: yes.
Comment: PVS1,PM2